The following is an entry in ClinVar:

NM_000135.4(FANCA):c.1124T>G (p.Leu375Trp)

Gene: FANCA (FA complementation group A; minus strand). Cytogenetic location: 16q24.3.
Variant type: single nucleotide variant.
Coding change: c.1124T>G on transcript NM_000135.4 (MANE Select); coding-DNA position 1124, T replaced by G.
Protein change: p.Leu375Trp; replaces leucine 375 with tryptophan.
Molecular consequence: missense variant.
Genome position (GRCh38, 1-based): chr16:89,792,028, A>C on the plus strand (T>G on the coding strand, the complement: FANCA is on the minus strand). VCF-style: chr16-89792028-A-C. GRCh37 (hg19) VCF-style: chr16-89858436-A-C.
Other names: c.1124T>G, p.Leu375Trp (NM_001286167.3); short protein forms L375W.
Identifiers: ClinVar variation 974005 (VCV000974005.1), dbSNP rs2040093463, ClinGen allele CA397466252.

ClinVar aggregate classification (germline): Uncertain significance (0 of 4 stars; one submission).

Conditions:
Fanconi anemia complementation group A (FANCA). Also called: Fanconi anemia, group A; FANCA-Related Fanconi Anemia. Identifiers: Orphanet 84, MedGen C3469521, MONDO:0009215, OMIM 227650.

Submission:

Leiden Open Variation Database
Classification: Uncertain significance for Fanconi anemia complementation group A. Last evaluated: 2020-02-28. Review status: no assertion criteria provided. Collection method: curation. Allele origin: germline. Affected: yes.
Comment: Curator: Arleen D. Auerbach. Submitter to LOVD: Arleen D. Auerbach.